The following is an entry in ClinVar:

NM_000152.5(GAA):c.1129G>A (p.Gly377Ser)

Gene: GAA (alpha glucosidase; plus strand). Cytogenetic location: 17q25.3.
Variant type: single nucleotide variant.
Coding change: c.1129G>A on transcript NM_000152.5 (MANE Select); coding-DNA position 1129, G replaced by A.
Protein change: p.Gly377Ser; replaces glycine 377 with serine.
Molecular consequence: missense variant.
Genome position (GRCh38, 1-based): chr17:80,108,542, G>A. VCF-style: chr17-80108542-G-A. GRCh37 (hg19) VCF-style: chr17-78082341-G-A.
Other names: c.1129G>A, p.Gly377Ser (NM_001079803.3, NM_001079804.3); c.1129G>A (LRG_673t1); short protein forms G377S.
Identifiers: ClinVar variation 551351 (VCV000551351.4), dbSNP rs752002666, ClinGen allele CA401365012.

ClinVar aggregate classification (germline): Conflicting classifications of pathogenicity. Review status: criteria provided, conflicting classifications (1 of 4 stars). 3 submissions from 3 submitters: Likely pathogenic (1); Uncertain significance (1). 1 of the submissions does not count toward it. Last evaluated 2026-07-01.

Conditions:
Glycogen storage disease, type II (IOPD). Also called: POMPE DISEASE, INFANTILE-ONSET; GLYCOGEN STORAGE DISEASE II, INFANTILE-ONSET; ACID ALPHA-GLUCOSIDASE DEFICIENCY, INFANTILE-ONSET; GAA DEFICIENCY, INFANTILE-ONSET; ACID MALTASE DEFICIENCY, INFANTILE-ONSET; CARDIOMEGALIA GLYCOGENICA DIFFUSA. Identifiers: Orphanet 365, MedGen C0017921, MONDO:0009290, OMIM 232300.

Submissions (3):

Genomenon, Inc
Classification: Likely pathogenic for Glycogen storage disease, type II. Last evaluated: 2026-07-01. Review status: criteria provided, single submitter. Criteria: Genomenon Sequence Variant Interpretation Standards - Updated. Collection method: curation. Allele origin: germline. Affected: yes.
Comment: GAA p.Gly377Ser (c.1129G>A) is a missense variant that changes the amino acid at codon 377 from Glycine to Serine. This variant has been observed in at least one proband with a GAA-related disorder in the compound heterozygous and/or homozygous state (PMID:35071497;27417441). It is absent or not present at a significant frequency in gnomAD. In silico models predict that this variant is possibly or probably damaging. In conclusion, we classify GAA p.Gly377Ser (c.1129G>A) as a likely pathogenic variant.

Women's Health and Genetics/Laboratory Corporation of America, LabCorp
Classification: Uncertain significance. Last evaluated: 2024-06-13. Review status: criteria provided, single submitter. Criteria: LabCorp Variant Classification Summary - May 2015. Collection method: clinical testing. Allele origin: germline.
Comment: Variant summary: GAA c.1129G>A (p.Gly377Ser) results in a non-conservative amino acid change located in the Glycoside hydrolase family 31, TIM barrel domain (IPR000322) of the encoded protein sequence. Five of five in-silico tools predict a damaging effect of the variant on protein function. The variant was absent in 248468 control chromosomes. c.1129G>A has been reported in the literature in individuals affected with late onset Glycogen Storage Disease, Type 2 (Pompe Disease) (examples: Szklanny_2018, Zhao_2021). These data indicate that the variant may be associated with disease. To our knowledge, no experimental evidence demonstrating an impact on protein function has been reported. The following publications have been ascertained in the context of this evaluation (PMID: 26253708, 30367637, 35071497). ClinVar contains an entry for this variant (Variation ID: 551351). Based on the evidence outlined above, the variant was classified as VUS-possibly pathogenic.

Counsyl
Classification: Uncertain significance for Glycogen storage disease, type II. Last evaluated: 2017-03-31. Review status: no assertion criteria provided. Collection method: clinical testing. Allele origin: unknown. Not counted in ClinVar's aggregate classification.

Literature cited by the submitters: PubMed 35071497 (cited by Genomenon, Inc and Women's Health and Genetics/Laboratory Corporation of America, LabCorp); PubMed 27417441 (cited by Genomenon, Inc); PubMed 26253708 (cited by Women's Health and Genetics/Laboratory Corporation of America, LabCorp and Counsyl); PubMed 30367637 (cited by Women's Health and Genetics/Laboratory Corporation of America, LabCorp).